The following continues an entry in ClinVar:

NM_004004.6(GJB2):c.34G>T (p.Gly12Cys)

Gene: GJB2. ClinVar aggregate classification (germline): Likely pathogenic. Likely pathogenic (1).

Submissions 16 to 24 of 24:

Laboratory for Molecular Medicine, Mass General Brigham Personalized Medicine
Classification: Likely pathogenic for Rare genetic deafness. Last evaluated: 2018-11-28. Review status: criteria provided, single submitter. Criteria: LMM Criteria. Collection method: clinical testing. Allele origin: germline. Inheritance: Autosomal recessive inheritance. Observed: 9 variant alleles. Not counted in ClinVar's aggregate classification.
Comment: The p.Gly12Cys variant in GJB2 has been previously identified by our laboratory in 7 individuals with hearing loss; The p.Gly12Cys varia nt has also been reported in the literature in 11 individuals with hearing loss. In 1 individual, a variant affecting the remaining copy of GJB2 was identified; however, in the remaining 10 individuals, a variant affecting the remaining DFN B1 allele was not identified (Tang 2006, Azaiez 2004, Putcha 2007, Mendelsberg-F ishbein 2013, Hernandez-Juarez 2014). Furthermore, this variant has been reporte d in ClinVar and is classified as likely pathogenic by the Hearing Loss Expert P anel (ClinVar Variation ID 44740). This variant was identified in 0.38% (129/340 98) of Latino chromosomes by the Genome Aggregation Database (gnomAD; dbSNPrs104894408). While the frequency data meets the th reshold for likely benign variants when there is no conflicting information, the evidence supporting pathogenicity outweighs the evidence supporting a likely be nign classification. Three other amino acid changes have been reported at this p osition; p.Gly12Arg has been associated with clinical features of an autosomal d ominant form of hearing loss (Keratitis-Ichthyosis-deafness syndrome), and p.Gly 12Val and p.Gly12Asp which have been associated with an autosomal recessive hear ing loss. Glycine (Gly) at position 12 is highly conserved in mammals and evolut ionarily distant species, supporting that a change at this position may not be t olerated. Additional computational prediction tools suggest that the p.Gly12Cys variant may impact the protein. In summary, although additional studies are requ ired to fully establish its clinical significance, this variant meets criteria t o be classified as likely pathogenic for autosomal recessive hearing loss. ACMG/ AMP Criteria applied: PM3_VeryStrong, PM5, PP3.

Eurofins Ntd Llc (ga)
Classification: Likely pathogenic. Last evaluated: 2017-09-28. Review status: criteria provided, single submitter. Criteria: EGL Classification Definitions 2015. Collection method: clinical testing. Allele origin: germline. Observed: 11 variant alleles, 10 heterozygotes, 1 homozygote. Not counted in ClinVar's aggregate classification.

Genomic Diagnostic Laboratory, Division of Genomic Diagnostics, Children's Hospital of Philadelphia
Classification: Likely pathogenic for Deafness, autosomal recessive 1A. Last evaluated: 2017-05-09. Review status: criteria provided, single submitter. Criteria: DGD Variant Analysis Guidelines. Collection method: clinical testing. Allele origin: germline. Affected: yes. Observed: 1 variant allele. Not counted in ClinVar's aggregate classification.

Genetic Services Laboratory, University of Chicago
Classification: Pathogenic for Hearing impairment. Last evaluated: 2013-02-08. Review status: criteria provided, single submitter. Criteria: ACMG Guidelines, 2007. Collection method: clinical testing. Allele origin: germline. Inheritance: Autosomal recessive inheritance. Affected: yes. Not counted in ClinVar's aggregate classification.

Baylor Genetics
Classification: Likely pathogenic for Autosomal recessive nonsyndromic hearing loss 1A; Autosomal recessive nonsyndromic hearing loss 1B. Review status: criteria provided, single submitter. Criteria: ACMG Guidelines, 2015. Collection method: clinical testing. Allele origin: germline. Not counted in ClinVar's aggregate classification.

Center for Genomics, Ann and Robert H. Lurie Children's Hospital of Chicago
Classification: Likely pathogenic for Palmoplantar keratoderma-deafness syndrome; Autosomal recessive nonsyndromic hearing loss 1A; Autosomal dominant nonsyndromic hearing loss 3A; Autosomal dominant keratitis-ichthyosis-hearing loss syndrome; Knuckle pads, deafness AND leukonychia syndrome; Mutilating keratoderma. Review status: criteria provided, single submitter. Criteria: ACMG Guidelines, 2015. Collection method: clinical testing. Allele origin: germline. Not counted in ClinVar's aggregate classification.
Comment: GJB2 NM_004004.5 p.Gly12Cys (c.34G>T): This variant has been reported in the literature in at least 6 individuals with hearing loss (Azaiez 2004 PMID: 15365987, Tang 2006 PMID:17041943, Putcha 2007 PMID:17666888, Hernandez-Juarez 2014 PMID:25288386, Raymond 2019 PMID:31163360). On of these patients showed digenic inheritance with a pathogenic deletion of GJB6. However, at least 2 of these individuals did not have an additional disease causing variant identified, and the zygosity of this variant for the other individuals is unclear. This variant is present in 0.3% (129/34098) of Latino alleles, including 1 homozygote in the Genome Aggregation Database. This variant is present in ClinVar, with several labs classifying this variant as likely pathogenic or pathogenic (Variation ID: 44740). Evolutionary conservation and computational predictive tools suggest that this variant may impact the protein. In summary, data on this variant is highly suspicious for disease, but requires further evidence for pathogenicity. Therefore, this variant classified as likely pathogenic

Clinical Molecular Genetics Laboratory, Johns Hopkins All Children's Hospital
Classification: Pathogenic for Hearing loss. Last evaluated: 2017-01-25. Review status: no assertion criteria provided. Collection method: clinical testing. Allele origin: germline. Affected: yes. Not counted in ClinVar's aggregate classification.

Counsyl
Classification: Likely pathogenic for Autosomal recessive nonsyndromic hearing loss 1A. Last evaluated: 2016-04-18. Review status: no assertion criteria provided. Collection method: clinical testing. Allele origin: unknown. Not counted in ClinVar's aggregate classification.

Counsyl
Classification: Likely pathogenic for Autosomal dominant nonsyndromic hearing loss 3A. Last evaluated: 2016-04-18. Review status: no assertion criteria provided. Collection method: clinical testing. Allele origin: unknown. Not counted in ClinVar's aggregate classification.

Literature cited by the submitters: PubMed 20154630 (cited by 4 submitters); PubMed 26969326 (cited by 4 submitters); PubMed 31163360 (cited by 3 submitters); PubMed 26252218 (cited by 4 submitters); PubMed 38486023 (cited by Natera, Inc.); PubMed 17041943 (cited by 5 submitters); PubMed 15365987 (cited by 5 submitters); PubMed 17666888 (cited by 5 submitters); PubMed 25288386 (cited by 4 submitters); PubMed 31160754 (cited by Women's Health and Genetics/Laboratory Corporation of America, LabCorp and Athena Diagnostics); PubMed 26444186 (cited by Women's Health and Genetics/Laboratory Corporation of America, LabCorp and Athena Diagnostics); PubMed 31099403 (cited by Women's Health and Genetics/Laboratory Corporation of America, LabCorp); PubMed 32090102 (cited by Women's Health and Genetics/Laboratory Corporation of America, LabCorp and Athena Diagnostics); PubMed 31035178 (cited by Women's Health and Genetics/Laboratory Corporation of America, LabCorp and Athena Diagnostics); PubMed 34515852 (cited by Women's Health and Genetics/Laboratory Corporation of America, LabCorp); PubMed 25262649 (cited by Athena Diagnostics and Laboratory for Molecular Medicine, Mass General Brigham Personalized Medicine); PubMed 18987669 (cited by Laboratory for Molecular Medicine, Mass General Brigham Personalized Medicine); PubMed 22011219 (cited by Laboratory for Molecular Medicine, Mass General Brigham Personalized Medicine); PubMed 11912510 (cited by Laboratory for Molecular Medicine, Mass General Brigham Personalized Medicine); PubMed 22643125 (cited by Laboratory for Molecular Medicine, Mass General Brigham Personalized Medicine).